The following is an entry in ClinVar:

NM_014975.3(MAST1):c.2126C>T (p.Pro709Leu)

Gene: MAST1 (microtubule associated serine/threonine kinase 1; plus strand). Cytogenetic location: 19p13.13.
Variant type: single nucleotide variant.
Coding change: c.2126C>T on transcript NM_014975.3 (MANE Select); coding-DNA position 2126, C replaced by T.
Protein change: p.Pro709Leu; replaces proline 709 with leucine.
Molecular consequence: missense variant.
Genome position (GRCh38, 1-based): chr19:12,866,749, C>T. VCF-style: chr19-12866749-C-T. GRCh37 (hg19) VCF-style: chr19-12977563-C-T.
Other names: short protein forms P709L.
Identifiers: ClinVar variation 3251350 (VCV003251350.1), dbSNP rs1441244840.

ClinVar aggregate classification (germline): Uncertain significance (1 of 4 stars; one submission).

gnomAD v4.1: 8 of 1,613,270 alleles (0.0005%); highest among the groups gnomAD compares: Admixed American, 0.0017%; no homozygotes.

Submission:

Women's Health and Genetics/Laboratory Corporation of America, LabCorp
Classification: Uncertain significance. Last evaluated: 2024-04-11. Review status: criteria provided, single submitter. Criteria: LabCorp Variant Classification Summary - May 2015. Collection method: clinical testing. Allele origin: germline.
Comment: Variant summary: MAST1 c.2126C>T (p.Pro709Leu) results in a non-conservative amino acid change located in the AGC-kinase, C-terminal domain (IPR000961) of the encoded protein sequence. Four of five in-silico tools predict a damaging effect of the variant on protein function. The variant allele was found at a frequency of 4e-06 in 248372 control chromosomes. The available data on variant occurrences in the general population are insufficient to allow any conclusion about variant significance. To our knowledge, no occurrence of c.2126C>T in individuals affected with Mega-Corpus Syndrome With Cerebellar Hypoplasia And Cortical Malformations and no experimental evidence demonstrating its impact on protein function have been reported. No submitters have cited clinical-significance assessments for this variant to ClinVar. Based on the evidence outlined above, the variant was classified as uncertain significance.